The following is an entry in ClinVar:

ClinVar aggregate classification (germline): Uncertain significance. Review status: criteria provided, multiple submitters, no conflicts (2 of 4 stars). 2 submissions from 2 submitters: Uncertain significance (2). Last evaluated 2025-11-25.

Allele frequency attached by ClinVar (database versions not stated): ExAC 0.00004; gnomAD exomes 0.00006; gnomAD 0.00007; TOPMed 0.00008.
gnomAD v4.1: 56 of 1,613,512 alleles (0.0035%); highest among the groups gnomAD compares: Admixed American, 0.01%; no homozygotes.

Submissions (2):

Labcorp Genetics (formerly Invitae), Labcorp
Classification: Uncertain significance. Last evaluated: 2025-11-25. Review status: criteria provided, single submitter. Criteria: Invitae Variant Classification Sherloc (09022015). Collection method: clinical testing. Allele origin: germline.
Comment: This sequence change replaces methionine, which is neutral and non-polar, with threonine, which is neutral and polar, at codon 488 of the CCT2 protein (p.Met488Thr). This variant is present in population databases (rs774243986, gnomAD 0.01%). This variant has not been reported in the literature in individuals affected with CCT2-related conditions. ClinVar contains an entry for this variant (Variation ID: 839650). An algorithm developed to predict the effect of missense changes on protein structure and function (PolyPhen-2) suggests that this variant is likely to be disruptive. In summary, the available evidence is currently insufficient to determine the role of this variant in disease. Therefore, it has been classified as a Variant of Uncertain Significance.

Ambry Genetics
Classification: Uncertain significance. Last evaluated: 2025-10-24. Review status: criteria provided, single submitter. Criteria: Ambry Variant Classification Scheme 2023. Collection method: clinical testing. Allele origin: germline.

NM_006431.3(CCT2):c.1463T>C (p.Met488Thr)

Gene: CCT2 (chaperonin containing TCP1 subunit 2; plus strand). Cytogenetic location: 12q15.
Variant type: single nucleotide variant.
Coding change: c.1463T>C on transcript NM_006431.3 (MANE Select); coding-DNA position 1463, T replaced by C.
Protein change: p.Met488Thr; replaces methionine 488 with threonine.
Molecular consequence: missense variant.
Genome position (GRCh38, 1-based): chr12:69,599,890, T>C. VCF-style: chr12-69599890-T-C. GRCh37 (hg19) VCF-style: chr12-69993670-T-C.
Other names: c.1322T>C, p.Met441Thr (NM_001198842.2); short protein forms M441T, M488T.
Identifiers: ClinVar variation 839650 (VCV000839650.10), dbSNP rs774243986, ClinGen allele CA6680882.
Genomic context (GRCh38, chr12:69,599,890, plus strand): 5'-ACTGCTTTTTAGTAAATTTGTTTTTCTTTGCAGATATGAGGGAAGGCACCATTGGAGATA[T>C]GGCTATCCTGGGTATAACAGAAAGTTTTCAAGTGAAGCGACAGGTTCTTCTGAGTGCAGC-3'
Protein context (NP_006422.1, residues 478-498): LDMREGTIGD[Met488Thr]AILGITESFQ